The following is an entry in ClinVar:

ClinVar aggregate classification (germline): Likely benign. Review status: criteria provided, single submitter (1 of 4 stars). 3 submissions from 3 submitters: Likely benign (1). 2 of the submissions do not count toward it. Last evaluated 2025-03-26.

Conditions:
F11-related disorder. Also called: F11-related condition.
Plasma factor XI deficiency.

Allele frequency attached by ClinVar (database versions not stated): ExAC 0.00007; gnomAD exomes 0.00007; gnomAD 0.00025; 1000 Genomes Project 0.00040; TOPMed 0.00045; ESP Exome Variant Server 0.00046; 1000 Genomes Project 30x 0.00047.
gnomAD v4.1: 101 of 1,614,122 alleles (0.0063%); highest among the groups gnomAD compares: African/African-American, 0.12%; no homozygotes.

Submissions (3):

Labcorp Genetics (formerly Invitae), Labcorp
Classification: Likely benign. Last evaluated: 2025-03-26. Review status: criteria provided, single submitter. Criteria: Invitae Variant Classification Sherloc (09022015). Collection method: clinical testing. Allele origin: germline.

Natera, Inc.
Classification: Likely benign for Plasma factor XI deficiency. Last evaluated: 2020-01-31. Review status: no assertion criteria provided. Collection method: clinical testing. Allele origin: germline. Not counted in ClinVar's aggregate classification.

PreventionGenetics, part of Exact Sciences
Classification: Likely benign for F11-related condition. Last evaluated: 2019-07-30. Review status: no assertion criteria provided. Collection method: clinical testing. Allele origin: germline. Not counted in ClinVar's aggregate classification.
Comment: This variant is classified as likely benign based on ACMG/AMP sequence variant interpretation guidelines (Richards et al. 2015 PMID: 25741868, with internal and published modifications).

NM_000128.4(F11):c.866-9G>A

Gene: F11 (coagulation factor XI; plus strand). Cytogenetic location: 4q35.2.
Variant type: single nucleotide variant.
Coding change: c.866-9G>A on transcript NM_000128.4 (MANE Select); 9 bases into the intron before coding-DNA position 866, G replaced by A.
Molecular consequence: intron variant.
Genome position (GRCh38, 1-based): chr4:186,280,214, G>A. VCF-style: chr4-186280214-G-A. GRCh37 (hg19) VCF-style: chr4-187201368-G-A.
Identifiers: ClinVar variation 708815 (VCV000708815.14), dbSNP rs200218867, ClinGen allele CA3163812.